The following is an entry in ClinVar:

NM_001005373.4(LRSAM1):c.252+71T>C

Gene: LRSAM1 (leucine rich repeat and sterile alpha motif containing 1; plus strand). Cytogenetic location: 9q33.3.
Variant type: single nucleotide variant.
Coding change: c.252+71T>C on transcript NM_001005373.4 (MANE Select); 71 bases into the intron after coding-DNA position 252, T replaced by C.
Molecular consequence: intron variant.
Genome position (GRCh38, 1-based): chr9:127,457,464, T>C. VCF-style: chr9-127457464-T-C. GRCh37 (hg19) VCF-style: chr9-130219743-T-C.
Other names: c.252+71T>C (NM_138361.5, NM_001384142.1, NM_001384143.1 and 2 more transcripts); c.-533+71T>C (NM_001384144.1).
Identifiers: ClinVar variation 670537 (VCV000670537.2), dbSNP rs2243903, ClinGen allele CA13000672.

ClinVar aggregate classification (germline): Benign. Review status: criteria provided, multiple submitters, no conflicts (2 of 4 stars). 2 submissions from 2 submitters: Benign (2). Last evaluated 2018-06-14.

Allele frequency attached by ClinVar (database versions not stated): 1000 Genomes Project 0.56070; 1000 Genomes Project 30x 0.56340; gnomAD exomes 0.58219; TOPMed 0.60549; gnomAD 0.60864 and 0.61373.
gnomAD v4.1: 848,599 of 1,451,642 alleles (58%); highest among the groups gnomAD compares: Admixed American, 66%; 250,167 homozygotes.

Submissions (2):

GeneDx
Classification: Benign. Last evaluated: 2018-06-14. Review status: criteria provided, single submitter. Criteria: GeneDx Variant Classification (06012015). Collection method: clinical testing. Allele origin: germline. Affected: yes.
Comment: This variant is considered likely benign or benign based on one or more of the following criteria: it is a conservative change, it occurs at a poorly conserved position in the protein, it is predicted to be benign by multiple in silico algorithms, and/or has population frequency not consistent with disease.

Breakthrough Genomics
Classification: Benign. Review status: criteria provided, single submitter. Criteria: ACMG Guidelines, 2015. Collection method: not provided. Allele origin: germline. Inheritance: Autosomal dominant inheritance. Affected: yes.